The following is an entry in ClinVar:

NM_016213.5(TRIP4):c.565C>T (p.Arg189Cys)

Gene: TRIP4 (thyroid hormone receptor interactor 4; plus strand). Cytogenetic location: 15q22.31.
Variant type: single nucleotide variant.
Coding change: c.565C>T on transcript NM_016213.5 (MANE Select); coding-DNA position 565, C replaced by T.
Protein change: p.Arg189Cys; replaces arginine 189 with cysteine.
Molecular consequence: missense variant. On other transcripts: 5 prime UTR variant (1), non-coding transcript variant (1).
Genome position (GRCh38, 1-based): chr15:64,397,765, C>T. VCF-style: chr15-64397765-C-T. GRCh37 (hg19) VCF-style: chr15-64689964-C-T.
Other names: c.-126C>T (NM_001321924.2); c.565C>T (NM_016213.4); short protein forms R189C.
Identifiers: ClinVar variation 1404416 (VCV001404416.5), dbSNP rs111658371, ClinGen allele CA7609399.
Genomic context (GRCh38, chr15:64,397,765, plus strand): 5'-CACCCTTGTGATTGCCTGGGCCAGAAGCACAAGCTCATCAATAACTGTCTGATCTGTGGG[C>T]GCATTGTCTGTGAACAAGAAGGCTCAGGCCCTTGCTTATTCTGTGGCACTCTGGTAAATT-3'
Protein context (NP_057297.2, residues 179-199): KLINNCLICG[Arg189Cys]IVCEQEGSGP

ClinVar aggregate classification (germline): Uncertain significance. Review status: criteria provided, multiple submitters, no conflicts (2 of 4 stars). 3 submissions from 3 submitters: Uncertain significance (3). Last evaluated 2025-01-30.

Conditions:
Inborn genetic diseases. Identifiers: MedGen C0950123, MeSH D030342.

Allele frequency attached by ClinVar (database versions not stated): 1000 Genomes Project 30x 0.00016; 1000 Genomes Project 0.00020; ESP Exome Variant Server 0.00023; gnomAD 0.00026; gnomAD exomes 0.00037 and 0.00069; ExAC 0.00039.
gnomAD v4.1: 1,033 of 1,614,196 alleles (0.064%); highest among the groups gnomAD compares: Non-Finnish European, 0.084%; no homozygotes.

Submissions (3):

GeneDx
Classification: Uncertain significance. Last evaluated: 2025-01-30. Review status: criteria provided, single submitter. Criteria: GeneDx Variant Classification Process June 2021. Collection method: clinical testing. Allele origin: germline. Affected: yes.
Comment: In silico analysis supports that this missense variant has a deleterious effect on protein structure/function; Has not been previously published as pathogenic or benign to our knowledge

Labcorp Genetics (formerly Invitae), Labcorp
Classification: Uncertain significance. Last evaluated: 2022-06-23. Review status: criteria provided, single submitter. Criteria: Invitae Variant Classification Sherloc (09022015). Collection method: clinical testing. Allele origin: germline.
Comment: This sequence change replaces arginine, which is basic and polar, with cysteine, which is neutral and slightly polar, at codon 189 of the TRIP4 protein (p.Arg189Cys). This variant is present in population databases (rs111658371, gnomAD 0.07%). This variant has not been reported in the literature in individuals affected with TRIP4-related conditions. Algorithms developed to predict the effect of missense changes on protein structure and function (SIFT, PolyPhen-2, Align-GVGD) all suggest that this variant is likely to be disruptive. In summary, the available evidence is currently insufficient to determine the role of this variant in disease. Therefore, it has been classified as a Variant of Uncertain Significance.

Ambry Genetics
Classification: Uncertain significance for Inborn genetic diseases. Last evaluated: 2022-02-11. Review status: criteria provided, single submitter. Criteria: Ambry Variant Classification Scheme 2023. Collection method: clinical testing. Allele origin: germline.